The following is an entry in ClinVar:

ClinVar aggregate classification (germline): Likely benign. Review status: criteria provided, multiple submitters, no conflicts (2 of 4 stars). 4 submissions from 4 submitters: Likely benign (4). Last evaluated 2025-12-27.

Conditions:
Hereditary cancer-predisposing syndrome. Also called: Tumor predisposition; Hereditary neoplastic syndrome; Neoplastic Syndromes, Hereditary; Hereditary Cancer Syndrome. Identifiers: Orphanet 140162, MedGen C0027672, MeSH D009386, MONDO:0015356.
Breast-ovarian cancer, familial, susceptibility to, 4. Identifiers: Orphanet 145, MedGen C3280345, MONDO:0013669, OMIM 614291.

Allele frequency attached by ClinVar (database versions not stated): gnomAD 0.00001; gnomAD exomes 0.00001 and 0.00002; TOPMed 0.00001; ExAC 0.00002.
gnomAD v4.1: 24 of 1,613,568 alleles (0.0015%); highest among the groups gnomAD compares: South Asian, 0.0077%; no homozygotes.

Submissions (4):

Labcorp Genetics (formerly Invitae), Labcorp
Classification: Likely benign for Breast-ovarian cancer, familial, susceptibility to, 4. Last evaluated: 2025-12-27. Review status: criteria provided, single submitter. Criteria: Invitae Variant Classification Sherloc (09022015). Collection method: clinical testing. Allele origin: germline.

Myriad Genetics, Inc.
Classification: Likely benign for Breast-ovarian cancer, familial, susceptibility to, 4. Last evaluated: 2025-02-21. Review status: criteria provided, single submitter. Criteria: Myriad Autosomal Dominant, Autosomal Recessive and X-Linked Classification Criteria (2023). Collection method: clinical testing. Allele origin: unknown.
Comment: This variant is considered likely benign. This variant is intronic and is not expected to impact mRNA splicing.

Color Diagnostics, LLC DBA Color Health
Classification: Likely benign for Hereditary cancer-predisposing syndrome. Last evaluated: 2018-05-16. Review status: criteria provided, single submitter. Criteria: ACMG Guidelines, 2015. Collection method: clinical testing. Allele origin: germline.

GeneDx
Classification: Likely benign. Last evaluated: 2015-11-13. Review status: criteria provided, single submitter. Criteria: GeneDx Variant Classification (06012015). Collection method: clinical testing. Allele origin: germline. Affected: yes.
Comment: This variant is considered likely benign or benign based on one or more of the following criteria: it is a conservative change, it occurs at a poorly conserved position in the protein, it is predicted to be benign by multiple in silico algorithms, and/or has population frequency not consistent with disease.

NM_002878.4(RAD51D):c.346-16A>G

Genes: RAD51L3-RFFL (RAD51L3-RFFL readthrough; minus strand), RAD51D (RAD51 paralog D; minus strand). Cytogenetic location: 17q12.
Variant type: single nucleotide variant.
Coding change: c.346-16A>G on transcript NM_002878.4 (MANE Select); 16 bases into the intron before coding-DNA position 346, A replaced by G.
Molecular consequence: intron variant.
Genome position (GRCh38, 1-based): chr17:35,107,138, T>C on the plus strand (A>G on the coding strand, the complement: RAD51D is on the minus strand). VCF-style: chr17-35107138-T-C. GRCh37 (hg19) VCF-style: chr17-33434157-T-C.
Other names: c.145-657A>G (NM_133629.3); c.406-16A>G (NM_001142571.2).
Identifiers: ClinVar variation 380266 (VCV000380266.12), dbSNP rs749176675, ClinGen allele CA8499494.